The following is an entry in ClinVar:

NM_006206.6(PDGFRA):c.1429C>A (p.His477Asn)

Gene: PDGFRA (platelet derived growth factor receptor alpha; plus strand). Cytogenetic location: 4q12.
Variant type: single nucleotide variant.
Coding change: c.1429C>A on transcript NM_006206.6 (MANE Select); coding-DNA position 1429, C replaced by A.
Protein change: p.His477Asn; replaces histidine 477 with asparagine.
Molecular consequence: missense variant.
Genome position (GRCh38, 1-based): chr4:54,273,601, C>A. VCF-style: chr4-54273601-C-A. GRCh37 (hg19) VCF-style: chr4-55139768-C-A.
Other names: c.1429C>A, p.His477Asn (NM_001347827.2, NM_001347829.2); c.1504C>A, p.His502Asn (NM_001347828.2); c.1468C>A, p.His490Asn (NM_001347830.2); short protein forms H477N, H502N, H490N.
Identifiers: ClinVar variation 528606 (VCV000528606.9), dbSNP rs1553904188, ClinGen allele CA356892549.

ClinVar aggregate classification (germline): Uncertain significance (1 of 4 stars; one submission).

Conditions:
Gastrointestinal stromal tumor. Also called: Gastrointestinal stroma tumor; Gastrointestinal stromal tumor, somatic. Identifiers: Orphanet 44890, MedGen C0238198, MeSH D046152, MONDO:0011719, OMIM 606764, HP:0100723.

Submission:

Labcorp Genetics (formerly Invitae), Labcorp
Classification: Uncertain significance for Gastrointestinal stromal tumor. Last evaluated: 2020-08-10. Review status: criteria provided, single submitter. Criteria: Invitae Variant Classification Sherloc (09022015). Collection method: clinical testing. Allele origin: germline.
Comment: This sequence change replaces histidine with asparagine at codon 477 of the PDGFRA protein (p.His477Asn). The histidine residue is moderately conserved and there is a small physicochemical difference between histidine and asparagine. This variant is not present in population databases (ExAC no frequency). This variant has not been reported in the literature in individuals with PDGFRA-related disease. Algorithms developed to predict the effect of missense changes on protein structure and function (SIFT, PolyPhen-2, Align-GVGD) all suggest that this variant is likely to be tolerated, but these predictions have not been confirmed by published functional studies and their clinical significance is uncertain. In summary, the available evidence is currently insufficient to determine the role of this variant in disease. Therefore, it has been classified as a Variant of Uncertain Significance.